The following is an entry in ClinVar:

NM_004933.3(CDH15):c.2170A>G (p.Ser724Gly)

Gene: CDH15 (cadherin 15; plus strand). Cytogenetic location: 16q24.3.
Variant type: single nucleotide variant.
Coding change: c.2170A>G on transcript NM_004933.3 (MANE Select); coding-DNA position 2170, A replaced by G.
Protein change: p.Ser724Gly; replaces serine 724 with glycine.
Molecular consequence: missense variant.
Genome position (GRCh38, 1-based): chr16:89,194,880, A>G. VCF-style: chr16-89194880-A-G. GRCh37 (hg19) VCF-style: chr16-89261288-A-G.
Other names: short protein forms S724G.
Identifiers: ClinVar variation 2647045 (VCV002647045.24), dbSNP rs937348809, ClinGen allele CA286502494.

ClinVar aggregate classification (germline): Uncertain significance (1 of 4 stars; one submission).

Allele frequency attached by ClinVar (database versions not stated): gnomAD 0.00002; gnomAD exomes below 0.00001; TOPMed 0.00001.
gnomAD v4.1: 8 of 1,606,012 alleles (0.0005%); highest among the groups gnomAD compares: Non-Finnish European, 0.0006%; no homozygotes.

Submission:

CeGaT Center for Human Genetics Tuebingen
Classification: Uncertain significance. Last evaluated: 2022-12-01. Review status: criteria provided, single submitter. Criteria: CeGaT Center For Human Genetics Tuebingen Variant Classification Criteria Version 2. Collection method: clinical testing. Allele origin: germline. Affected: yes. Observed: 1 variant allele.
Comment: CDH15: PM2, BP4